The following is an entry in ClinVar:

NM_005502.4(ABCA1):c.1402G>T (p.Ala468Ser)

Gene: ABCA1 (ATP binding cassette subfamily A member 1; minus strand). Cytogenetic location: 9q31.1.
Variant type: single nucleotide variant.
Coding change: c.1402G>T on transcript NM_005502.4 (MANE Select); coding-DNA position 1402, G replaced by T.
Protein change: p.Ala468Ser; replaces alanine 468 with serine.
Molecular consequence: missense variant.
Genome position (GRCh38, 1-based): chr9:104,832,681, C>A on the plus strand (G>T on the coding strand, the complement: ABCA1 is on the minus strand). VCF-style: chr9-104832681-C-A. GRCh37 (hg19) VCF-style: chr9-107594962-C-A.
Other names: short protein forms A468S.
Identifiers: ClinVar variation 4843951 (VCV004843951.1).

ClinVar aggregate classification (germline): Uncertain significance (1 of 4 stars; one submission).

Conditions:
Cardiovascular phenotype. Identifiers: MedGen CN230736.

Submission:

Ambry Genetics
Classification: Uncertain significance for Cardiovascular phenotype. Last evaluated: 2026-01-06. Review status: criteria provided, single submitter. Criteria: Ambry Variant Classification Scheme 2023. Collection method: clinical testing. Allele origin: germline.
Comment: The p.A468S variant (also known as c.1402G>T), located in coding exon 11 of the ABCA1 gene, results from a G to T substitution at nucleotide position 1402. The alanine at codon 468 is replaced by serine, an amino acid with similar properties. This amino acid position is conserved. In addition, this alteration is predicted to be tolerated by in silico analysis. Based on the available evidence, the clinical significance of this variant remains unclear.